The following is an entry in ClinVar:

NM_000368.5(TSC1):c.1752T>G (p.Ser584Arg)

Gene: TSC1 (TSC complex subunit 1; minus strand). Cytogenetic location: 9q34.13.
Variant type: single nucleotide variant.
Coding change: c.1752T>G on transcript NM_000368.5 (MANE Select); coding-DNA position 1752, T replaced by G.
Protein change: p.Ser584Arg; replaces serine 584 with arginine.
Molecular consequence: missense variant.
Genome position (GRCh38, 1-based): chr9:132,905,826, A>C on the plus strand (T>G on the coding strand, the complement: TSC1 is on the minus strand). VCF-style: chr9-132905826-A-C. GRCh37 (hg19) VCF-style: chr9-135781213-A-C.
Other names: c.1749T>G, p.Ser583Arg (NM_001162426.2); c.1599T>G, p.Ser533Arg (NM_001162427.2); c.1389T>G, p.Ser463Arg (NM_001362177.2); short protein forms S583R, S463R, S533R, S584R.
Identifiers: ClinVar variation 945313 (VCV000945313.10), dbSNP rs1845627777, ClinGen allele CA375363781.

ClinVar aggregate classification (germline): Uncertain significance. Review status: criteria provided, multiple submitters, no conflicts (2 of 4 stars). 2 submissions from 2 submitters: Uncertain significance (2). Last evaluated 2025-12-02.

Conditions:
Tuberous sclerosis 1 (TSC1). Identifiers: Orphanet 805, MedGen C1854465, MONDO:0008612, OMIM 191100.
Hereditary cancer-predisposing syndrome. Also called: Neoplastic Syndromes, Hereditary; Hereditary neoplastic syndrome; Hereditary Cancer Syndrome; Tumor predisposition. Identifiers: Orphanet 140162, MedGen C0027672, MeSH D009386, MONDO:0015356.

Submissions (2):

Labcorp Genetics (formerly Invitae), Labcorp
Classification: Uncertain significance for Tuberous sclerosis 1. Last evaluated: 2025-12-02. Review status: criteria provided, single submitter. Criteria: Invitae Variant Classification Sherloc (09022015). Collection method: clinical testing. Allele origin: germline.
Comment: This sequence change replaces serine, which is neutral and polar, with arginine, which is basic and polar, at codon 584 of the TSC1 protein (p.Ser584Arg). This variant is not present in population databases (gnomAD no frequency). This variant has not been reported in the literature in individuals affected with TSC1-related conditions. ClinVar contains an entry for this variant (Variation ID: 945313). Invitae Evidence Modeling of protein sequence and biophysical properties (such as structural, functional, and spatial information, amino acid conservation, physicochemical variation, residue mobility, and thermodynamic stability) indicates that this missense variant is not expected to disrupt TSC1 protein function with a negative predictive value of 95%. In summary, the available evidence is currently insufficient to determine the role of this variant in disease. Therefore, it has been classified as a Variant of Uncertain Significance.

Ambry Genetics
Classification: Uncertain significance for Hereditary cancer-predisposing syndrome. Last evaluated: 2025-01-24. Review status: criteria provided, single submitter. Criteria: Ambry Variant Classification Scheme 2023. Collection method: clinical testing. Allele origin: germline.
Comment: The p.S584R variant (also known as c.1752T>G), located in coding exon 13 of the TSC1 gene, results from a T to G substitution at nucleotide position 1752. The serine at codon 584 is replaced by arginine, an amino acid with dissimilar properties. This amino acid position is well conserved in available vertebrate species. In addition, this alteration is predicted to be deleterious by in silico analysis. Based on the available evidence, the clinical significance of this variant remains unclear.